The following is an entry in ClinVar:

NM_003571.4(BFSP2):c.162C>T (p.Pro54=)

Gene: BFSP2 (beaded filament structural protein 2; plus strand). Cytogenetic location: 3q22.1.
Variant type: single nucleotide variant.
Coding change: c.162C>T on transcript NM_003571.4 (MANE Select); coding-DNA position 162, C replaced by T.
Protein change: p.Pro54=; no amino-acid change (proline 54 retained).
Molecular consequence: synonymous variant.
Genome position (GRCh38, 1-based): chr3:133,400,245, C>T. VCF-style: chr3-133400245-C-T. GRCh37 (hg19) VCF-style: chr3-133119089-C-T.
Identifiers: ClinVar variation 343400 (VCV000343400.16), dbSNP rs112142146, ClinGen allele CA2623192.

ClinVar aggregate classification (germline): Benign. Review status: criteria provided, multiple submitters, no conflicts (2 of 4 stars). 4 submissions from 4 submitters: Benign (4). Last evaluated 2025-12-23.

Conditions:
Cataract 12 multiple types. Identifiers: Orphanet 91492, MedGen C3808115, MONDO:0012701, OMIM 611597.

Allele frequency attached by ClinVar (database versions not stated): gnomAD exomes 0.00105 and 0.00247; ExAC 0.00295; 1000 Genomes Project 0.00938; gnomAD 0.00974 and 0.01053; 1000 Genomes Project 30x 0.01031; TOPMed 0.01094; ESP Exome Variant Server 0.01115.
gnomAD v4.1: 3,097 of 1,613,918 alleles (0.19%); highest among the groups gnomAD compares: African/African-American, 3.5%; 49 homozygotes.

Submissions (4):

Labcorp Genetics (formerly Invitae), Labcorp
Classification: Benign for Cataract 12 multiple types. Last evaluated: 2025-12-23. Review status: criteria provided, single submitter. Criteria: Invitae Variant Classification Sherloc (09022015). Collection method: clinical testing. Allele origin: germline.

GeneDx
Classification: Benign. Last evaluated: 2020-08-13. Review status: criteria provided, single submitter. Criteria: GeneDx Variant Classification Process June 2021. Collection method: clinical testing. Allele origin: germline. Affected: yes.

Illumina Laboratory Services, Illumina
Classification: Benign for Cataract 12 multiple types. Last evaluated: 2018-01-13. Review status: criteria provided, single submitter. Criteria: ICSL Variant Classification Criteria 13 December 2019. Collection method: clinical testing. Allele origin: germline.
Comment: This variant was observed in the ICSL laboratory as part of a predisposition screen in an ostensibly healthy population. It had not been previously curated by ICSL or reported in the Human Gene Mutation Database (HGMD: prior to June 1st, 2018), and was therefore a candidate for classification through an automated scoring system. Utilizing variant allele frequency, disease prevalence and penetrance estimates, and inheritance mode, an automated score was calculated to assess if this variant is too frequent to cause the disease. Based on the score and internal cut-off values, a variant classified as benign is not then subjected to further curation. The score for this variant resulted in a classification of benign for this disease.

Breakthrough Genomics
Classification: Benign. Review status: criteria provided, single submitter. Criteria: ACMG Guidelines, 2015. Collection method: not provided. Allele origin: germline. Inheritance: Autosomal dominant inheritance. Affected: yes.